The following is an entry in ClinVar:

ClinVar aggregate classification (germline): Likely benign (1 of 4 stars; one submission).

Allele frequency attached by ClinVar (database versions not stated): gnomAD 0.00004; ExAC 0.00005; TOPMed 0.00006.
gnomAD v4.1: 90 of 1,612,132 alleles (0.0056%); highest among the groups gnomAD compares: Non-Finnish European, 0.0064%; no homozygotes.

Submission:

CeGaT Center for Human Genetics Tuebingen
Classification: Likely benign. Last evaluated: 2022-03-01. Review status: criteria provided, single submitter. Criteria: CeGaT Center For Human Genetics Tuebingen Variant Classification Criteria Version 2. Collection method: clinical testing. Allele origin: germline. Affected: yes. Observed: 1 variant allele.
Comment: MGAT5B: BP4, BP7

NM_001199172.2(MGAT5B):c.2082C>T (p.Ala694=)

Gene: MGAT5B (alpha-1,6-mannosylglycoprotein 6-beta-N-acetylglucosaminyltransferase B; plus strand). Cytogenetic location: 17q25.2.
Variant type: single nucleotide variant.
Coding change: c.2082C>T on transcript NM_001199172.2 (MANE Select); coding-DNA position 2082, C replaced by T.
Protein change: p.Ala694=; no amino-acid change (alanine 694 retained).
Molecular consequence: synonymous variant.
Genome position (GRCh38, 1-based): chr17:76,947,988, C>T. VCF-style: chr17-76947988-C-T. GRCh37 (hg19) VCF-style: chr17-74944070-C-T.
Other names: c.2076C>T, p.Ala692= (NM_144677.3); c.2109C>T, p.Ala703= (NM_198955.1).
Identifiers: ClinVar variation 2648325 (VCV002648325.24), dbSNP rs754899240, ClinGen allele CA8792005.